The following is an entry in ClinVar:

ClinVar aggregate classification (germline): Uncertain significance (1 of 4 stars; one submission).

Conditions:
Ataxia-telangiectasia syndrome (AT). Also called: Ataxia-telangiectasia, complementation group D; Ataxia telangiectasia (A-T); Cerebello-oculocutaneous telangiectasia; Immunodeficiency with ataxia telangiectasia; ATAXIA-TELANGIECTASIA, COMPLEMENTATION GROUP A; ATAXIA-TELANGIECTASIA, FRESNO VARIANT. Identifiers: Orphanet 100, MedGen C0004135, MONDO:0008840, OMIM 208900.

Submission:

Labcorp Genetics (formerly Invitae), Labcorp
Classification: Uncertain significance for Ataxia-telangiectasia syndrome. Last evaluated: 2021-11-05. Review status: criteria provided, single submitter. Criteria: Invitae Variant Classification Sherloc (09022015). Collection method: clinical testing. Allele origin: germline.
Comment: In summary, the available evidence is currently insufficient to determine the role of this variant in disease. Therefore, it has been classified as a Variant of Uncertain Significance. This sequence change replaces glycine, which is neutral and non-polar, with alanine, which is neutral and non-polar, at codon 138 of the ATM protein (p.Gly138Ala). This variant is not present in population databases (gnomAD no frequency). This variant has not been reported in the literature in individuals affected with ATM-related conditions. Advanced modeling of protein sequence and biophysical properties (such as structural, functional, and spatial information, amino acid conservation, physicochemical variation, residue mobility, and thermodynamic stability) performed at Invitae indicates that this missense variant is not expected to disrupt ATM protein function.

NM_000051.4(ATM):c.413G>C (p.Gly138Ala)

Gene: ATM (ATM serine/threonine kinase; plus strand). Cytogenetic location: 11q22.3.
Variant type: single nucleotide variant.
Coding change: c.413G>C on transcript NM_000051.4 (MANE Select); coding-DNA position 413, G replaced by C.
Protein change: p.Gly138Ala; replaces glycine 138 with alanine.
Molecular consequence: missense variant.
Genome position (GRCh38, 1-based): chr11:108,235,751, G>C. VCF-style: chr11-108235751-G-C. GRCh37 (hg19) VCF-style: chr11-108106478-G-C.
Other names: c.413G>C, p.Gly138Ala (NM_001351834.2); short protein forms G138A.
Identifiers: ClinVar variation 1391578 (VCV001391578.6), dbSNP rs2135123439, ClinGen allele CA382525066.